The following is an entry in ClinVar:

NM_005477.3(HCN4):c.2527G>A (p.Ala843Thr)

Gene: HCN4 (hyperpolarization activated cyclic nucleotide gated potassium channel 4; minus strand). Cytogenetic location: 15q24.1.
Variant type: single nucleotide variant.
Coding change: c.2527G>A on transcript NM_005477.3 (MANE Select); coding-DNA position 2527, G replaced by A.
Protein change: p.Ala843Thr; replaces alanine 843 with threonine.
Molecular consequence: missense variant.
Genome position (GRCh38, 1-based): chr15:73,323,566, C>T on the plus strand (G>A on the coding strand, the complement: HCN4 is on the minus strand). VCF-style: chr15-73323566-C-T. GRCh37 (hg19) VCF-style: chr15-73615907-C-T.
Other names: p.A843T:GCC>ACC; short protein forms A843T.
Identifiers: ClinVar variation 190783 (VCV000190783.18), dbSNP rs777023781, ClinGen allele CA301964.

ClinVar aggregate classification (germline): Uncertain significance. Review status: criteria provided, multiple submitters, no conflicts (2 of 4 stars). 5 submissions from 5 submitters: Uncertain significance (5). Last evaluated 2026-01-24.

Conditions:
Brugada syndrome 8 (BRGDA8). Identifiers: Orphanet 130, MedGen C2751083, MONDO:0013148, OMIM 613123.
Cardiovascular phenotype. Identifiers: MedGen CN230736.

Allele frequency attached by ClinVar (database versions not stated): ExAC 0.00003; gnomAD exomes 0.00003; gnomAD 0.00001; TOPMed 0.00002.
gnomAD v4.1: 46 of 1,600,510 alleles (0.0029%); highest among the groups gnomAD compares: Middle Eastern, 0.016%; no homozygotes.

Submissions (5):

Labcorp Genetics (formerly Invitae), Labcorp
Classification: Uncertain significance for Brugada syndrome 8. Last evaluated: 2026-01-24. Review status: criteria provided, single submitter. Criteria: Invitae Variant Classification Sherloc (09022015). Collection method: clinical testing. Allele origin: germline.
Comment: This sequence change replaces alanine, which is neutral and non-polar, with threonine, which is neutral and polar, at codon 843 of the HCN4 protein (p.Ala843Thr). This variant is present in population databases (rs777023781, gnomAD 0.005%). This variant has not been reported in the literature in individuals affected with HCN4-related conditions. ClinVar contains an entry for this variant (Variation ID: 190783). Invitae Evidence Modeling of protein sequence and biophysical properties (such as structural, functional, and spatial information, amino acid conservation, physicochemical variation, residue mobility, and thermodynamic stability) indicates that this missense variant is not expected to disrupt HCN4 protein function with a negative predictive value of 95%. In summary, the available evidence is currently insufficient to determine the role of this variant in disease. Therefore, it has been classified as a Variant of Uncertain Significance.

Molecular Diagnostic Laboratory for Inherited Cardiovascular Disease, Montreal Heart Institute
Classification: Uncertain significance for Cardiovascular phenotype. Last evaluated: 2025-04-09. Review status: criteria provided, single submitter. Criteria: ACMG Guidelines, 2015. Collection method: clinical testing. Allele origin: germline. Affected: yes.

GeneDx
Classification: Uncertain significance. Last evaluated: 2023-12-08. Review status: criteria provided, single submitter. Criteria: GeneDx Variant Classification Process June 2021. Collection method: clinical testing. Allele origin: germline. Affected: yes.
Comment: Has not been previously published as pathogenic or benign to our knowledge; In silico analysis supports that this missense variant does not alter protein structure/function

Ambry Genetics
Classification: Uncertain significance for Cardiovascular phenotype. Last evaluated: 2023-10-19. Review status: criteria provided, single submitter. Criteria: Ambry Variant Classification Scheme 2023. Collection method: clinical testing. Allele origin: germline.
Comment: The p.A843T variant (also known as c.2527G>A), located in coding exon 8 of the HCN4 gene, results from a G to A substitution at nucleotide position 2527. The alanine at codon 843 is replaced by threonine, an amino acid with similar properties. This amino acid position is conserved. In addition, this alteration is predicted to be tolerated by in silico analysis. Since supporting evidence is limited at this time, the clinical significance of this alteration remains unclear.

Eurofins Ntd Llc (ga)
Classification: Uncertain significance. Last evaluated: 2018-06-28. Review status: criteria provided, single submitter. Criteria: EGL ClinVar v180209 classification definitions. Collection method: clinical testing. Allele origin: germline. Observed: 1 variant allele, 1 heterozygote.